The following is an entry in ClinVar:

ClinVar aggregate classification (germline): Uncertain significance (1 of 4 stars; one submission).

Conditions:
Rhabdoid tumor predisposition syndrome 2 (RTPS2). Identifiers: Orphanet 231108, Orphanet 69077, MedGen C2750074, MONDO:0013224, OMIM 613325.

Submission:

Labcorp Genetics (formerly Invitae), Labcorp
Classification: Uncertain significance for Rhabdoid tumor predisposition syndrome 2. Last evaluated: 2023-06-14. Review status: criteria provided, single submitter. Criteria: Invitae Variant Classification Sherloc (09022015). Collection method: clinical testing. Allele origin: germline.
Comment: In summary, the available evidence is currently insufficient to determine the role of this variant in disease. Therefore, it has been classified as a Variant of Uncertain Significance. Advanced modeling of protein sequence and biophysical properties (such as structural, functional, and spatial information, amino acid conservation, physicochemical variation, residue mobility, and thermodynamic stability) performed at Invitae indicates that this missense variant is not expected to disrupt SMARCA4 protein function. This variant has not been reported in the literature in individuals affected with SMARCA4-related conditions. This variant is not present in population databases (gnomAD no frequency). This sequence change replaces lysine, which is basic and polar, with isoleucine, which is neutral and non-polar, at codon 580 of the SMARCA4 protein (p.Lys580Ile).

NM_003072.5(SMARCA4):c.1739A>T (p.Lys580Ile)

Gene: SMARCA4 (SWI/SNF related BAF chromatin remodeling complex subunit ATPase 4; plus strand). Cytogenetic location: 19p13.2.
Variant type: single nucleotide variant.
Coding change: c.1739A>T on transcript NM_003072.5 (MANE Select); coding-DNA position 1739, A replaced by T.
Protein change: p.Lys580Ile; replaces lysine 580 with isoleucine.
Molecular consequence: missense variant. On other transcripts: non-coding transcript variant (1).
Genome position (GRCh38, 1-based): chr19:10,996,358, A>T. VCF-style: chr19-10996358-A-T. GRCh37 (hg19) VCF-style: chr19-11107034-A-T.
Other names: c.1739A>T, p.Lys580Ile (NM_001128844.3, NM_001128845.2, NM_001128846.2 and 6 more transcripts); short protein forms K580I.
Identifiers: ClinVar variation 2712884 (VCV002712884.3), dbSNP rs2145973868, ClinGen allele CA404064562.